The following is an entry in ClinVar:

ClinVar aggregate classification (germline): Conflicting classifications of pathogenicity. Review status: criteria provided, conflicting classifications (1 of 4 stars). 2 submissions from 2 submitters: Uncertain significance (1); Likely benign (1). Last evaluated 2025-04-15.

Allele frequency attached by ClinVar (database versions not stated): gnomAD exomes below 0.00001; gnomAD 0.00001; TOPMed 0.00002.
gnomAD v4.1: 7 of 1,609,874 alleles (0.00043%); highest among the groups gnomAD compares: East Asian, 0.013%; no homozygotes.

Submissions (2):

Women's Health and Genetics/Laboratory Corporation of America, LabCorp
Classification: Uncertain significance. Last evaluated: 2025-04-15. Review status: criteria provided, single submitter. Criteria: LabCorp Variant Classification Summary - May 2015. Collection method: clinical testing. Allele origin: germline.
Comment: Variant summary: ADGRV1 c.18334T>C (p.Phe6112Leu) results in a non-conservative amino acid change in the encoded protein sequence. Four of five in-silico tools predict a damaging effect of the variant on protein function. The variant allele was found at a frequency of 8.2e-06 in 242494 control chromosomes. The available data on variant occurrences in the general population are insufficient to allow any conclusion about variant significance. To our knowledge, no occurrence of c.18334T>C in individuals affected with ADGRV1-Related Disorders and no experimental evidence demonstrating its impact on protein function have been reported. ClinVar contains an entry for this variant (Variation ID: 2783758). Based on the evidence outlined above, the variant was classified as uncertain significance.

Labcorp Genetics (formerly Invitae), Labcorp
Classification: Likely benign. Last evaluated: 2023-04-19. Review status: criteria provided, single submitter. Criteria: Invitae Variant Classification Sherloc (09022015). Collection method: clinical testing. Allele origin: germline.

NM_032119.4(ADGRV1):c.18334T>C (p.Phe6112Leu)

Gene: ADGRV1 (adhesion G protein-coupled receptor V1; plus strand). Cytogenetic location: 5q14.3.
Variant type: single nucleotide variant.
Coding change: c.18334T>C on transcript NM_032119.4 (MANE Select); coding-DNA position 18334, T replaced by C.
Protein change: p.Phe6112Leu; replaces phenylalanine 6112 with leucine.
Molecular consequence: missense variant. On other transcripts: non-coding transcript variant (1).
Genome position (GRCh38, 1-based): chr5:91,102,242, T>C. VCF-style: chr5-91102242-T-C. GRCh37 (hg19) VCF-style: chr5-90398059-T-C.
Other names: short protein forms F6112L.
Identifiers: ClinVar variation 2783758 (VCV002783758.5), dbSNP rs1015832236, ClinGen allele CA123027066.